The following is an entry in ClinVar:

NM_004370.6(COL12A1):c.6751C>T (p.Arg2251Cys)

Gene: COL12A1 (collagen type XII alpha 1 chain; minus strand). Cytogenetic location: 6q13.
Variant type: single nucleotide variant.
Coding change: c.6751C>T on transcript NM_004370.6 (MANE Select); coding-DNA position 6751, C replaced by T.
Protein change: p.Arg2251Cys; replaces arginine 2251 with cysteine.
Molecular consequence: missense variant.
Genome position (GRCh38, 1-based): chr6:75,124,068, G>A on the plus strand (C>T on the coding strand, the complement: COL12A1 is on the minus strand). VCF-style: chr6-75124068-G-A. GRCh37 (hg19) VCF-style: chr6-75833784-G-A.
Other names: c.3259C>T, p.Arg1087Cys (NM_080645.3); short protein forms R1087C, R2251C.
Identifiers: ClinVar variation 1060842 (VCV001060842.12), dbSNP rs754290184, ClinGen allele CA3892730.

ClinVar aggregate classification (germline): Uncertain significance. Review status: criteria provided, multiple submitters, no conflicts (2 of 4 stars). 3 submissions from 3 submitters: Uncertain significance (3). Last evaluated 2025-08-23.

Conditions:
Ullrich congenital muscular dystrophy 2 (UCMD2). Identifiers: Orphanet 75840, MedGen C4225314, MONDO:0014654, OMIM 616470.
Bethlem myopathy 2 (BTHLM2). Identifiers: Orphanet 536516, Orphanet 610, MedGen C4225313, MONDO:0034022, OMIM 616471.

gnomAD v4.1: 15 of 1,613,502 alleles (0.00093%); highest among the groups gnomAD compares: Admixed American, 0.0033%; no homozygotes.

Submissions (3):

Labcorp Genetics (formerly Invitae), Labcorp
Classification: Uncertain significance for Bethlem myopathy 2; Ullrich congenital muscular dystrophy 2. Last evaluated: 2025-08-23. Review status: criteria provided, single submitter. Criteria: Invitae Variant Classification Sherloc (09022015). Collection method: clinical testing. Allele origin: germline.
Comment: This sequence change replaces arginine, which is basic and polar, with cysteine, which is neutral and slightly polar, at codon 2251 of the COL12A1 protein (p.Arg2251Cys). This variant is present in population databases (rs754290184, gnomAD 0.003%). This variant has not been reported in the literature in individuals affected with COL12A1-related conditions. ClinVar contains an entry for this variant (Variation ID: 1060842). Invitae Evidence Modeling of protein sequence and biophysical properties (such as structural, functional, and spatial information, amino acid conservation, physicochemical variation, residue mobility, and thermodynamic stability) indicates that this missense variant is not expected to disrupt COL12A1 protein function with a negative predictive value of 80%. In summary, the available evidence is currently insufficient to determine the role of this variant in disease. Therefore, it has been classified as a Variant of Uncertain Significance.

Revvity Omics, Revvity
Classification: Uncertain significance. Last evaluated: 2023-03-28. Review status: criteria provided, single submitter. Criteria: ACMG Guidelines, 2015. Collection method: clinical testing. Allele origin: germline.

GeneDx
Classification: Uncertain significance. Last evaluated: 2020-01-17. Review status: criteria provided, single submitter. Criteria: GeneDx Variant Classification Process June 2021. Collection method: clinical testing. Allele origin: germline. Affected: yes.
Comment: Has not been previously published as pathogenic or benign to our knowledge; Not observed at a significant frequency in large population cohorts (Lek et al., 2016); In silico analysis, which includes protein predictors and evolutionary conservation, supports that this variant does not alter protein structure/function